The following is an entry in ClinVar:

ClinVar aggregate classification (germline): Uncertain significance. Review status: criteria provided, multiple submitters, no conflicts (2 of 4 stars). 2 submissions from 2 submitters: Uncertain significance (2). Last evaluated 2024-07-09.

Conditions:
Inborn genetic diseases. Identifiers: MedGen C0950123, MeSH D030342.

Allele frequency attached by ClinVar (database versions not stated): gnomAD exomes below 0.00001 and 0.00001; gnomAD 0.00001; TOPMed 0.00001; ExAC 0.00002.
gnomAD v4.1: 6 of 1,613,016 alleles (0.00037%); highest among the groups gnomAD compares: Non-Finnish European, 0.00051%; no homozygotes.

Submissions (2):

Ambry Genetics
Classification: Uncertain significance for Inborn genetic diseases. Last evaluated: 2024-07-09. Review status: criteria provided, single submitter. Criteria: Ambry Variant Classification Scheme 2023. Collection method: clinical testing. Allele origin: germline.

Labcorp Genetics (formerly Invitae), Labcorp
Classification: Uncertain significance. Last evaluated: 2021-11-30. Review status: criteria provided, single submitter. Criteria: Invitae Variant Classification Sherloc (09022015). Collection method: clinical testing. Allele origin: germline.
Comment: This sequence change replaces lysine, which is basic and polar, with arginine, which is basic and polar, at codon 112 of the OTOA protein (p.Lys112Arg). This variant is present in population databases (rs758593584, gnomAD 0.003%). This variant has not been reported in the literature in individuals affected with OTOA-related conditions. Algorithms developed to predict the effect of missense changes on protein structure and function (SIFT, PolyPhen-2, Align-GVGD) all suggest that this variant is likely to be tolerated. In summary, the available evidence is currently insufficient to determine the role of this variant in disease. Therefore, it has been classified as a Variant of Uncertain Significance.

NM_144672.4(OTOA):c.335A>G (p.Lys112Arg)

Gene: OTOA (otoancorin). Cytogenetic location: 16p12.2.
Variant type: single nucleotide variant.
Coding change: c.335A>G on transcript NM_144672.4 (MANE Select); coding-DNA position 335, A replaced by G.
Protein change: p.Lys112Arg; replaces lysine 112 with arginine.
Molecular consequence: missense variant.
Genome position (GRCh38, 1-based): chr16:21,685,297, A>G. VCF-style: chr16-21685297-A-G. GRCh37 (hg19) VCF-style: chr16-21696618-A-G.
Other names: c.98A>G, p.Lys33Arg (NM_001161683.2); c.335A>G (NM_144672.3); short protein forms K112R, K33R.
Identifiers: ClinVar variation 1395873 (VCV001395873.4), dbSNP rs758593584, ClinGen allele CA7952274.